The following is an entry in ClinVar:

NM_000246.4(CIITA):c.190C>T (p.Leu64Phe)

Gene: CIITA (class II major histocompatibility complex transactivator; plus strand). Cytogenetic location: 16p13.13.
Variant type: single nucleotide variant.
Coding change: c.190C>T on transcript NM_000246.4 (MANE Select); coding-DNA position 190, C replaced by T.
Protein change: p.Leu64Phe; replaces leucine 64 with phenylalanine.
Molecular consequence: missense variant. On other transcripts: non-coding transcript variant (1).
Genome position (GRCh38, 1-based): chr16:10,895,419, C>T. VCF-style: chr16-10895419-C-T. GRCh37 (hg19) VCF-style: chr16-10989276-C-T.
Other names: c.190C>T, p.Leu64Phe (NM_001286402.1, NM_001286403.2, NM_001379330.1 and 3 more transcripts); c.118C>T, p.Leu40Phe (NM_001379334.1); short protein forms L64F, L40F.
Identifiers: ClinVar variation 1450687 (VCV001450687.3), dbSNP rs2144284508, ClinGen allele CA394725971.
Genomic context (GRCh38, chr16:10,895,419, plus strand): 5'-CCCCTGTGCCTCTACCACTTCTATGACCAGATGGACCTGGCTGGAGAAGAAGAGATTGAG[C>T]TCTACTCAGGTGGGCCCTCCTCCCTCTGGTCTCTTCCGGTATCCCCCACCCCTCAGCTTG-3'
Protein context (NP_000237.2, residues 54-74): MDLAGEEEIE[Leu64Phe]YSEPDTDTIN

ClinVar aggregate classification (germline): Uncertain significance (1 of 4 stars; one submission).

Conditions:
MHC class II deficiency. Also called: BLS, TYPE II; Bare lymphocyte syndrome 2. Identifiers: Orphanet 572, MedGen C5447452, MONDO:0008855.

Allele frequency attached by ClinVar (database versions not stated): gnomAD exomes below 0.00001.
gnomAD v4.1: 5 of 1,613,764 alleles (0.00031%); highest among the groups gnomAD compares: Non-Finnish European, 0.00042%; no homozygotes.

Submission:

Labcorp Genetics (formerly Invitae), Labcorp
Classification: Uncertain significance for MHC class II deficiency. Last evaluated: 2021-10-22. Review status: criteria provided, single submitter. Criteria: Invitae Variant Classification Sherloc (09022015). Collection method: clinical testing. Allele origin: germline.
Comment: This sequence change replaces leucine with phenylalanine at codon 64 of the CIITA protein (p.Leu64Phe). The leucine residue is moderately conserved and there is a small physicochemical difference between leucine and phenylalanine. This variant is not present in population databases (ExAC no frequency). This variant has not been reported in the literature in individuals affected with CIITA-related conditions. Algorithms developed to predict the effect of missense changes on protein structure and function output the following: SIFT: "Tolerated"; PolyPhen-2: "Benign"; Align-GVGD: "Class C0". The phenylalanine amino acid residue is found in multiple mammalian species, which suggests that this missense change does not adversely affect protein function. In summary, the available evidence is currently insufficient to determine the role of this variant in disease. Therefore, it has been classified as a Variant of Uncertain Significance.